The following is an entry in ClinVar:

NM_001999.4(FBN2):c.832G>C (p.Asp278His)

Gene: FBN2 (fibrillin 2; minus strand). Cytogenetic location: 5q23.3.
Variant type: single nucleotide variant.
Coding change: c.832G>C on transcript NM_001999.4 (MANE Select); coding-DNA position 832, G replaced by C.
Protein change: p.Asp278His; replaces aspartic acid 278 with histidine.
Molecular consequence: missense variant.
Genome position (GRCh38, 1-based): chr5:128,446,601, C>G on the plus strand (G>C on the coding strand, the complement: FBN2 is on the minus strand). VCF-style: chr5-128446601-C-G. GRCh37 (hg19) VCF-style: chr5-127782294-C-G.
Other names: short protein forms D278H.
Identifiers: ClinVar variation 1313943 (VCV001313943.2), dbSNP rs2127056965, ClinGen allele CA360752149.
Genomic context (GRCh38, chr5:128,446,601, plus strand): 5'-AGCCCACTGTATTGATACAGTTTCCTCCTTGGCATATCCCTGGGATAGCCTGGCATTCAT[C>G]AACATCTGCAAGAAGAAAACATTTTGAACACAGATGACACTGGTTTTCAGAATATCTATA-3'
Protein context (NP_001990.2, residues 268-288): NIRTGACQDV[Asp278His]ECQAIPGICQ

ClinVar aggregate classification (germline): Uncertain significance (1 of 4 stars; one submission).

Submission:

GeneDx
Classification: Uncertain significance. Last evaluated: 2021-01-13. Review status: criteria provided, single submitter. Criteria: GeneDx Variant Classification Process June 2021. Collection method: clinical testing. Allele origin: germline. Affected: yes.
Comment: Has not been previously published as pathogenic or benign to our knowledge; Not observed in large population cohorts (Lek et al., 2016); In silico analysis supports that this missense variant has a deleterious effect on protein structure/function; Although located in a calcium-binding EGF-like domain of the FBN2 gene, it does not affect a cysteine residue within this domain; cysteine substitutions in the calcium-binding EGF-like domains represent the majority of pathogenic missense changes associated with FBN2-related disorders (Frederic et al., 2009).